The following is an entry in ClinVar:

ClinVar aggregate classification (germline): Uncertain significance. Review status: criteria provided, multiple submitters, no conflicts (2 of 4 stars). 3 submissions from 3 submitters: Uncertain significance (3). Last evaluated 2025-12-10.

Conditions:
CPLANE1-related disorder. Also called: CPLANE1-related condition.
Orofaciodigital syndrome type 6 (OFD6). Also called: OROFACIODIGITAL SYNDROME VI; OFDS VI; POLYDACTYLY, CLEFT LIP/PALATE OR LINGUAL LUMP, AND PSYCHOMOTOR RETARDATION; VARADI SYNDROME; VARADI-PAPP SYNDROME; Oral-facial-digital syndrome type 6. Identifiers: Orphanet 2754, MedGen C2745997, MONDO:0010176, OMIM 277170.
Joubert syndrome 17 (JBTS17). Identifiers: Orphanet 475, MedGen C3553264, MONDO:0013824, OMIM 614615.

Allele frequency attached by ClinVar (database versions not stated): gnomAD 0.00001; ExAC 0.00002; gnomAD exomes 0.00002 and 0.00003; TOPMed 0.00002; 1000 Genomes Project 30x 0.00016; 1000 Genomes Project 0.00020.
gnomAD v4.1: 42 of 1,614,196 alleles (0.0026%); highest among the groups gnomAD compares: Non-Finnish European, 0.0035%; no homozygotes.

Submissions (3):

PreventionGenetics, part of Exact Sciences
Classification: Uncertain significance for CPLANE1-related condition. Last evaluated: 2025-12-10. Review status: criteria provided, single submitter. Criteria: ACMG Guidelines, 2015. Collection method: clinical testing. Allele origin: germline.
Comment: The CPLANE1 c.6595C>T variant is predicted to result in the amino acid substitution p.Leu2199Phe. To our knowledge, this variant has not been reported in the literature. This variant is reported in 0.0053% of alleles in individuals of European (Non-Finnish) descent in gnomAD. At this time, the clinical significance of this variant is uncertain due to the absence of conclusive functional and genetic evidence.

Labcorp Genetics (formerly Invitae), Labcorp
Classification: Uncertain significance. Last evaluated: 2022-10-04. Review status: criteria provided, single submitter. Criteria: Invitae Variant Classification Sherloc (09022015). Collection method: clinical testing. Allele origin: germline.
Comment: Advanced modeling of protein sequence and biophysical properties (such as structural, functional, and spatial information, amino acid conservation, physicochemical variation, residue mobility, and thermodynamic stability) performed at Invitae indicates that this missense variant is not expected to disrupt CPLANE1 protein function. This sequence change replaces leucine, which is neutral and non-polar, with phenylalanine, which is neutral and non-polar, at codon 2199 of the CPLANE1 protein (p.Leu2199Phe). This variant is present in population databases (rs572837877, gnomAD 0.004%). This variant has not been reported in the literature in individuals affected with CPLANE1-related conditions. ClinVar contains an entry for this variant (Variation ID: 1414919). In summary, the available evidence is currently insufficient to determine the role of this variant in disease. Therefore, it has been classified as a Variant of Uncertain Significance.

Fulgent Genetics
Classification: Uncertain significance for Orofaciodigital syndrome type 6; Joubert syndrome 17. Last evaluated: 2022-03-25. Review status: criteria provided, single submitter. Criteria: ACMG Guidelines, 2015. Collection method: clinical testing. Allele origin: unknown.

NM_001384732.1(CPLANE1):c.6595C>T (p.Leu2199Phe)

Gene: CPLANE1 (ciliogenesis and planar polarity effector complex subunit 1; minus strand). Cytogenetic location: 5p13.2.
Variant type: single nucleotide variant.
Coding change: c.6595C>T on transcript NM_001384732.1 (MANE Select); coding-DNA position 6595, C replaced by T.
Protein change: p.Leu2199Phe; replaces leucine 2199 with phenylalanine.
Molecular consequence: missense variant.
Genome position (GRCh38, 1-based): chr5:37,169,429, G>A on the plus strand (C>T on the coding strand, the complement: CPLANE1 is on the minus strand). VCF-style: chr5-37169429-G-A. GRCh37 (hg19) VCF-style: chr5-37169531-G-A.
Other names: c.6595C>T, p.Leu2199Phe (NM_023073.4); short protein forms L2199F.
Identifiers: ClinVar variation 1414919 (VCV001414919.9), dbSNP rs572837877, ClinGen allele CA3238216.